The following is an entry in ClinVar:

NM_018124.4(RFWD3):c.284A>G (p.Asn95Ser)

Gene: RFWD3 (ring finger and WD repeat domain 3; minus strand). Cytogenetic location: 16q23.1.
Variant type: single nucleotide variant.
Coding change: c.284A>G on transcript NM_018124.4 (MANE Select); coding-DNA position 284, A replaced by G.
Protein change: p.Asn95Ser; replaces asparagine 95 with serine.
Molecular consequence: missense variant. On other transcripts: 5 prime UTR variant (4), intron variant (1).
Genome position (GRCh38, 1-based): chr16:74,661,166, T>C on the plus strand (A>G on the coding strand, the complement: RFWD3 is on the minus strand). VCF-style: chr16-74661166-T-C. GRCh37 (hg19) VCF-style: chr16-74695064-T-C.
Other names: c.284A>G, p.Asn95Ser (NM_001370535.1, NM_001370536.1, NM_001370534.1); c.-725A>G (NM_001370537.1); c.-348A>G (NM_001370539.1, NM_001370541.1); c.-602A>G (NM_001370542.1); c.-480A>G (NM_001370543.1); c.-317+3458A>G (NM_001370540.1); short protein forms N95S.
Identifiers: ClinVar variation 2778960 (VCV002778960.3), dbSNP rs768985450, ClinGen allele CA8169604.

ClinVar aggregate classification (germline): Uncertain significance (1 of 4 stars; one submission).

Allele frequency attached by ClinVar (database versions not stated): gnomAD exomes below 0.00001; TOPMed below 0.00001; ExAC 0.00002.
gnomAD v4.1: 6 of 1,614,234 alleles (0.00037%); highest among the groups gnomAD compares: Non-Finnish European, 0.00042%; no homozygotes.

Submission:

Labcorp Genetics (formerly Invitae), Labcorp
Classification: Uncertain significance. Last evaluated: 2023-02-14. Review status: criteria provided, single submitter. Criteria: Invitae Variant Classification Sherloc (09022015). Collection method: clinical testing. Allele origin: germline.
Comment: This sequence change replaces asparagine, which is neutral and polar, with serine, which is neutral and polar, at codon 95 of the RFWD3 protein (p.Asn95Ser). This variant is present in population databases (rs768985450, gnomAD 0.003%). This variant has not been reported in the literature in individuals affected with RFWD3-related conditions. Algorithms developed to predict the effect of missense changes on protein structure and function output the following: SIFT: "Tolerated"; PolyPhen-2: "Benign"; Align-GVGD: "Class C0". The serine amino acid residue is found in multiple mammalian species, which suggests that this missense change does not adversely affect protein function. In summary, the available evidence is currently insufficient to determine the role of this variant in disease. Therefore, it has been classified as a Variant of Uncertain Significance.